The following is an entry in ClinVar:

NM_002693.3(POLG):c.2481-6C>T

Gene: POLG (DNA polymerase gamma, catalytic subunit; minus strand). Cytogenetic location: 15q26.1.
Variant type: single nucleotide variant.
Coding change: c.2481-6C>T on transcript NM_002693.3 (MANE Select); 6 bases into the intron before coding-DNA position 2481, C replaced by T.
Molecular consequence: intron variant.
Genome position (GRCh38, 1-based): chr15:89,321,859, G>A on the plus strand (C>T on the coding strand, the complement: POLG is on the minus strand). VCF-style: chr15-89321859-G-A. GRCh37 (hg19) VCF-style: chr15-89865090-G-A.
Other names: c.2481-6C>T (NM_001126131.2).
Identifiers: ClinVar variation 206467 (VCV000206467.41), dbSNP rs752226219, ClinGen allele CA316592.
Genomic context (GRCh38, chr15:89,321,859, plus strand): 5'-CACCACTTGGGGCAGGATGGCCCCATAGAGGCCTTCCTCATCATAGTCGGGGTGCCTGGT[G>A]GGGTGCAGGGGAAGGAAATGGGTCTTAGCAGGGTGCTTTGGCCTTAGGACCTACCACCTC-3'

ClinVar aggregate classification (germline): Benign/Likely benign. Review status: criteria provided, multiple submitters, no conflicts (2 of 4 stars). 4 submissions from 4 submitters: Benign (1); Likely benign (2). 1 of the submissions does not count toward it. Last evaluated 2023-11-27.

Conditions:
POLG-related disorder. Also called: POLG-Related Spectrum Disorders; POLG-related condition; POLG-Related Disorders. Identifiers: MedGen C4763519.
Progressive sclerosing poliodystrophy (MTDPS4A). Also called: Mitochondrial DNA depletion syndrome 4A (Alpers type); Mitochondrial DNA Depletion Syndrome 4A; ALPERS PROGRESSIVE INFANTILE POLIODYSTROPHY; Alpers-Huttenlocher Syndrome; Alpers Syndrome; ALPERS DIFFUSE DEGENERATION OF CEREBRAL GRAY MATTER WITH HEPATIC CIRRHOSIS. Identifiers: Orphanet 726, MedGen C0205710, MONDO:0008758, OMIM 203700.

Allele frequency attached by ClinVar (database versions not stated): TOPMed below 0.00001; ExAC 0.00001; gnomAD 0.00001; gnomAD exomes 0.00001.
gnomAD v4.1: 14 of 1,611,780 alleles (0.00087%); highest among the groups gnomAD compares: Non-Finnish European, 0.0011%; no homozygotes.

Submissions (4):

Labcorp Genetics (formerly Invitae), Labcorp
Classification: Likely benign for Progressive sclerosing poliodystrophy. Last evaluated: 2023-11-27. Review status: criteria provided, single submitter. Criteria: Invitae Variant Classification Sherloc (09022015). Collection method: clinical testing. Allele origin: germline.

CeGaT Center for Human Genetics Tuebingen
Classification: Likely benign. Last evaluated: 2022-01-01. Review status: criteria provided, single submitter. Criteria: CeGaT Center For Human Genetics Tuebingen Variant Classification Criteria Version 2. Collection method: clinical testing. Allele origin: germline. Affected: yes. Observed: 1 variant allele.

GeneDx
Classification: Benign. Last evaluated: 2014-09-18. Review status: criteria provided, single submitter. Criteria: GeneDx Variant Classification (06012015). Collection method: clinical testing. Allele origin: germline. Affected: yes.
Comment: This variant is considered likely benign or benign based on one or more of the following criteria: it is a conservative change, it occurs at a poorly conserved position in the protein, it is predicted to be benign by multiple in silico algorithms, and/or has population frequency not consistent with disease.

PreventionGenetics, part of Exact Sciences
Classification: Likely benign for POLG-related condition. Last evaluated: 2021-06-28. Review status: no assertion criteria provided. Collection method: clinical testing. Allele origin: germline. Not counted in ClinVar's aggregate classification.
Comment: This variant is classified as likely benign based on ACMG/AMP sequence variant interpretation guidelines (Richards et al. 2015 PMID: 25741868, with internal and published modifications).